The following is an entry in ClinVar:

NM_014028.4(OSTM1):c.124G>A (p.Val42Ile)

Genes: OSTM1 (osteoclastogenesis associated transmembrane protein 1; minus strand), LOC129996933 (ATAC-STARR-seq lymphoblastoid silent region 17446; plus strand). Cytogenetic location: 6q21.
Variant type: single nucleotide variant.
Coding change: c.124G>A on transcript NM_014028.4 (MANE Select); coding-DNA position 124, G replaced by A.
Protein change: p.Val42Ile; replaces valine 42 with isoleucine.
Molecular consequence: missense variant.
Genome position (GRCh38, 1-based): chr6:108,074,528, C>T on the plus strand (G>A on the coding strand, the complement: OSTM1 is on the minus strand). VCF-style: chr6-108074528-C-T. GRCh37 (hg19) VCF-style: chr6-108395732-C-T.
Other names: short protein forms V42I.
Identifiers: ClinVar variation 1468041 (VCV001468041.5), dbSNP rs373333896, ClinGen allele CA145661198.

ClinVar aggregate classification (germline): Uncertain significance (1 of 4 stars; one submission).

Allele frequency attached by ClinVar (database versions not stated): gnomAD exomes below 0.00001 and 0.00001; gnomAD 0.00005 and 0.00006; TOPMed 0.00005.
gnomAD v4.1: 11 of 1,557,938 alleles (0.00071%); highest among the groups gnomAD compares: African/African-American, 0.012%; no homozygotes.

Submission:

Labcorp Genetics (formerly Invitae), Labcorp
Classification: Uncertain significance. Last evaluated: 2022-07-06. Review status: criteria provided, single submitter. Criteria: Invitae Variant Classification Sherloc (09022015). Collection method: clinical testing. Allele origin: germline.
Comment: This sequence change replaces valine, which is neutral and non-polar, with isoleucine, which is neutral and non-polar, at codon 42 of the OSTM1 protein (p.Val42Ile). This variant is present in population databases (rs373333896, gnomAD 0.03%). This variant has not been reported in the literature in individuals affected with OSTM1-related conditions. ClinVar contains an entry for this variant (Variation ID: 1468041). Algorithms developed to predict the effect of missense changes on protein structure and function (SIFT, PolyPhen-2, Align-GVGD) all suggest that this variant is likely to be tolerated. In summary, the available evidence is currently insufficient to determine the role of this variant in disease. Therefore, it has been classified as a Variant of Uncertain Significance.